The following is an entry in ClinVar:

NM_001031725.6(DDX59):c.1260T>G (p.Ile420Met)

Gene: DDX59 (DEAD-box helicase 59; minus strand). Cytogenetic location: 1q32.1.
Variant type: single nucleotide variant.
Coding change: c.1260T>G on transcript NM_001031725.6 (MANE Select); coding-DNA position 1260, T replaced by G.
Protein change: p.Ile420Met; replaces isoleucine 420 with methionine.
Molecular consequence: missense variant. On other transcripts: intron variant (3).
Genome position (GRCh38, 1-based): chr1:200,650,479, A>C on the plus strand (T>G on the coding strand, the complement: DDX59 is on the minus strand). VCF-style: chr1-200650479-A-C. GRCh37 (hg19) VCF-style: chr1-200619607-A-C.
Other names: c.1260T>G, p.Ile420Met (NM_001320181.2, NM_001349799.3, NM_001349800.3 and 2 more transcripts); c.1063-5962T>G (NM_001349804.2); c.1063-1253T>G (NM_001349803.3); c.973-1253T>G (NM_001320182.1); short protein forms I420M.
Identifiers: ClinVar variation 1384851 (VCV001384851.6), dbSNP rs370730702, ClinGen allele CA344135662.
Genomic context (GRCh38, chr1:200,650,479, plus strand): 5'-ACTCACATTTAAAATTTCAAATAATTTTTTCTTTTTGGCTGGGTCTTCTACCCACAAAAT[A>C]ATCTGACGTACATTGGCACAAGGTAGGTTCTTTTCTCCAGTGATAATTCTCACAGGATTA-3'
Protein context (NP_001026895.2, residues 410-430): KNLPCANVRQ[Ile420Met]ILWVEDPAKK

ClinVar aggregate classification (germline): Uncertain significance (1 of 4 stars; one submission).

Submission:

Labcorp Genetics (formerly Invitae), Labcorp
Classification: Uncertain significance. Last evaluated: 2024-08-13. Review status: criteria provided, single submitter. Criteria: Invitae Variant Classification Sherloc (09022015). Collection method: clinical testing. Allele origin: germline.
Comment: This sequence change replaces isoleucine, which is neutral and non-polar, with methionine, which is neutral and non-polar, at codon 420 of the DDX59 protein (p.Ile420Met). This variant is not present in population databases (gnomAD no frequency). This variant has not been reported in the literature in individuals affected with DDX59-related conditions. ClinVar contains an entry for this variant (Variation ID: 1384851). Advanced modeling of protein sequence and biophysical properties (such as structural, functional, and spatial information, amino acid conservation, physicochemical variation, residue mobility, and thermodynamic stability) has been performed at Invitae for this missense variant, however the output from this modeling did not meet the statistical confidence thresholds required to predict the impact of this variant on DDX59 protein function. In summary, the available evidence is currently insufficient to determine the role of this variant in disease. Therefore, it has been classified as a Variant of Uncertain Significance.